The following is an entry in ClinVar:

NM_020975.6(RET):c.2895G>T (p.Lys965Asn)

Gene: RET (ret proto-oncogene; plus strand). Cytogenetic location: 10q11.21.
Variant type: single nucleotide variant.
Coding change: c.2895G>T on transcript NM_020975.6 (MANE Select); coding-DNA position 2895, G replaced by T.
Protein change: p.Lys965Asn; replaces lysine 965 with asparagine.
Molecular consequence: missense variant.
Genome position (GRCh38, 1-based): chr10:43,123,764, G>T. VCF-style: chr10-43123764-G-T. GRCh37 (hg19) VCF-style: chr10-43619212-G-T.
Other names: c.2895G>T, p.Lys965Asn (NM_000323.2, NM_001406743.1, NM_001406744.1 and 4 more transcripts); c.2133G>T, p.Lys711Asn (NM_001355216.2); c.2766G>T, p.Lys922Asn (NM_001406761.1, NM_001406762.1, NM_001406764.1); c.2760G>T, p.Lys920Asn (NM_001406763.1, NM_001406765.1); c.2607G>T, p.Lys869Asn (NM_001406766.1, NM_001406767.1, NM_001406770.1); c.2631G>T, p.Lys877Asn (NM_001406768.1); c.2499G>T, p.Lys833Asn (NM_001406769.1, NM_001406772.1); c.2457G>T, p.Lys819Asn (NM_001406771.1, NM_001406773.1); and 10 more; short protein forms K666N, K723N, K482N, K530N, K877N, K920N, K626N, K635N.
Identifiers: ClinVar variation 2454137 (VCV002454137.2), dbSNP rs2133006165, ClinGen allele CA376557907.

ClinVar aggregate classification (germline): Uncertain significance (1 of 4 stars; one submission).

Conditions:
Hereditary cancer-predisposing syndrome. Also called: Neoplastic Syndromes, Hereditary; Hereditary neoplastic syndrome; Tumor predisposition; Hereditary Cancer Syndrome. Identifiers: Orphanet 140162, MedGen C0027672, MeSH D009386, MONDO:0015356.

Submission:

Ambry Genetics
Classification: Uncertain significance for Hereditary cancer-predisposing syndrome. Last evaluated: 2023-01-12. Review status: criteria provided, single submitter. Criteria: Ambry Variant Classification Scheme 2023. Collection method: clinical testing. Allele origin: germline.
Comment: The p.K965N variant (also known as c.2895G>T), located in coding exon 17 of the RET gene, results from a G to T substitution at nucleotide position 2895. The lysine at codon 965 is replaced by asparagine, an amino acid with similar properties. This amino acid position is conserved. In addition, this alteration is predicted to be tolerated by in silico analysis. Since supporting evidence is limited at this time, the clinical significance of this alteration remains unclear.